The following is an entry in ClinVar:

ClinVar aggregate classification (germline): Conflicting classifications of pathogenicity. Review status: criteria provided, conflicting classifications (1 of 4 stars). 5 submissions from 5 submitters: Uncertain significance (2); Likely benign (1). 2 of the submissions do not count toward it. Last evaluated 2022-11-03.

Conditions:
Inborn genetic diseases. Identifiers: MedGen C0950123, MeSH D030342.
SKIN/HAIR/EYE PIGMENTATION 1, BLUE/NONBLUE EYES (SHEP1). Also called: BROWN EYE COLOR 2; EYE COLOR 3; EYE COLOR, BLUE/NONBLUE; EYE COLOR, BROWN/BLUE; HAIR COLOR 3; SKIN/HAIR/EYE PIGMENTATION 1, BLOND/BROWN HAIR. Identifiers: MedGen C1856895, OMIM 227220.

Allele frequency attached by ClinVar (database versions not stated): TOPMed 0.00038; gnomAD exomes 0.00039 and 0.00058; gnomAD 0.00043 and 0.00044; ExAC 0.00044; ESP Exome Variant Server 0.00054.
gnomAD v4.1: 902 of 1,611,812 alleles (0.056%); highest among the groups gnomAD compares: Non-Finnish European, 0.07%; 1 homozygote.

Submissions (5):

GeneDx
Classification: Likely benign. Last evaluated: 2022-11-03. Review status: criteria provided, single submitter. Criteria: GeneDx Variant Classification Process June 2021. Collection method: clinical testing. Allele origin: germline. Affected: yes.
Comment: See Variant Classification Assertion Criteria.

Ambry Genetics
Classification: Uncertain significance for Inborn genetic diseases. Last evaluated: 2021-04-01. Review status: criteria provided, single submitter. Criteria: Ambry Variant Classification Scheme 2023. Collection method: clinical testing. Allele origin: germline.
Comment: The c.4651A>C (p.I1551L) alteration is located in exon 30 (coding exon 29) of the HERC2 gene. This alteration results from a A to C substitution at nucleotide position 4651, causing the isoleucine (I) at amino acid position 1551 to be replaced by a leucine (L). The p.I1551L alteration is predicted to be tolerated by in silico analysis. Based on insufficient or conflicting evidence, the clinical significance of this alteration remains unclear.

CeGaT Center for Human Genetics Tuebingen
Classification: Uncertain significance. Last evaluated: 2021-03-01. Review status: criteria provided, single submitter. Criteria: CeGaT Center For Human Genetics Tuebingen Variant Classification Criteria Version 2. Collection method: clinical testing. Allele origin: germline. Affected: yes. Observed: 1 variant allele.

Clinical Genetics DNA and cytogenetics Diagnostics Lab, Erasmus MC, Erasmus Medical Center
Classification: Uncertain significance. Review status: no assertion criteria provided. Collection method: clinical testing. Allele origin: germline. Affected: yes. Study: VKGL Data-share Consensus. Not counted in ClinVar's aggregate classification.

Diagnostic Laboratory, Department of Genetics, University Medical Center Groningen
Classification: Uncertain significance for SKIN/HAIR/EYE PIGMENTATION 1, BLUE/NONBLUE EYES. Review status: no assertion criteria provided. Collection method: clinical testing. Allele origin: germline. Affected: yes. Study: VKGL Data-share Consensus. Not counted in ClinVar's aggregate classification.

NM_004667.6(HERC2):c.4651A>C (p.Ile1551Leu)

Gene: HERC2 (HECT and RLD domain containing E3 ubiquitin protein ligase 2; minus strand). Cytogenetic location: 15q13.1.
Variant type: single nucleotide variant.
Coding change: c.4651A>C on transcript NM_004667.6 (MANE Select); coding-DNA position 4651, A replaced by C.
Protein change: p.Ile1551Leu; replaces isoleucine 1551 with leucine.
Molecular consequence: missense variant.
Genome position (GRCh38, 1-based): chr15:28,233,170, T>G on the plus strand (A>C on the coding strand, the complement: HERC2 is on the minus strand). VCF-style: chr15-28233170-T-G. GRCh37 (hg19) VCF-style: chr15-28478316-T-G.
Other names: short protein forms I1551L.
Identifiers: ClinVar variation 518259 (VCV000518259.45), dbSNP rs200864382, ClinGen allele CA7442591.
Genomic context (GRCh38, chr15:28,233,170, plus strand): 5'-GCTTTAATAGTATCTTCTGTCCTTTTACATTCTTACCTCTCTTTTTCCTTCGTTCTCGAA[T>G]TATCTTTTGAGCTATCCTCCTCCAACGGGGCAAAGAACTTAACAATTTAAACTTAGACAT-3'
Protein context (NP_004658.3, residues 1541-1561): PRWRRIAQKI[Ile1551Leu]RERRKKRVPK